The following is an entry in ClinVar:

NM_153240.5(NPHP3):c.247G>A (p.Glu83Lys)

Genes: NPHP3 (nephrocystin 3; minus strand), NPHP3-ACAD11 (NPHP3-ACAD11 readthrough (NMD candidate); minus strand), NPHP3-AS1 (NPHP3 antisense RNA 1; plus strand), LOC129937586 (ATAC-STARR-seq lymphoblastoid silent region 14743; plus strand). Cytogenetic location: 3q22.1.
Variant type: single nucleotide variant.
Coding change: c.247G>A on transcript NM_153240.5 (MANE Select); coding-DNA position 247, G replaced by A.
Protein change: p.Glu83Lys; replaces glutamic acid 83 with lysine.
Molecular consequence: missense variant. On other transcripts: non-coding transcript variant (3).
Genome position (GRCh38, 1-based): chr3:132,722,109, C>T on the plus strand (G>A on the coding strand, the complement: NPHP3 is on the minus strand). VCF-style: chr3-132722109-C-T. GRCh37 (hg19) VCF-style: chr3-132440953-C-T.
Other names: p.Glu83Lys; short protein forms E83K.
Identifiers: ClinVar variation 3379496 (VCV003379496.1).

ClinVar aggregate classification (germline): Uncertain significance (1 of 4 stars; one submission).

gnomAD v4.1: 3 of 1,606,630 alleles (0.00019%); highest among the groups gnomAD compares: African/African-American, 0.004%; no homozygotes.

Submission:

Mayo Clinic Laboratories, Mayo Clinic
Classification: Uncertain significance. Last evaluated: 2024-02-26. Review status: criteria provided, single submitter. Criteria: ACMG Guidelines, 2015. Collection method: clinical testing. Allele origin: germline. Observed: 1 variant allele.
Comment: PM2